The following is an entry in ClinVar:

NM_001142864.4(PIEZO1):c.4529C>T (p.Thr1510Met)

Gene: PIEZO1 (piezo type mechanosensitive ion channel component 1 (Er blood group); minus strand). Cytogenetic location: 16q24.3.
Variant type: single nucleotide variant.
Coding change: c.4529C>T on transcript NM_001142864.4 (MANE Select); coding-DNA position 4529, C replaced by T.
Protein change: p.Thr1510Met; replaces threonine 1510 with methionine.
Molecular consequence: missense variant.
Genome position (GRCh38, 1-based): chr16:88,722,976, G>A on the plus strand (C>T on the coding strand, the complement: PIEZO1 is on the minus strand). VCF-style: chr16-88722976-G-A. GRCh37 (hg19) VCF-style: chr16-88789384-G-A.
Other names: p.Thr1510Met; c.3071C>T, p.Thr1024Met (NM_014745.1); short protein forms T1024M, T1510M.
Identifiers: ClinVar variation 2230987 (VCV002230987.9), dbSNP rs8055062, ClinGen allele CA8232111.

ClinVar aggregate classification (germline): Conflicting classifications of pathogenicity. Review status: criteria provided, conflicting classifications (1 of 4 stars). 5 submissions from 5 submitters: Uncertain significance (1); Benign (1); Likely benign (3). Last evaluated 2025-12-11.

Conditions:
Inborn genetic diseases. Identifiers: MedGen C0950123, MeSH D030342.

Allele frequency attached by ClinVar (database versions not stated): ExAC 0.00049; TOPMed 0.00150; 1000 Genomes Project 30x 0.00156; 1000 Genomes Project 0.00160.
gnomAD v4.1: 410 of 1,548,472 alleles (0.026%); highest among the groups gnomAD compares: African/African-American, 0.47%; 5 homozygotes.

Submissions (5):

Labcorp Genetics (formerly Invitae), Labcorp
Classification: Benign. Last evaluated: 2025-12-11. Review status: criteria provided, single submitter. Criteria: Invitae Variant Classification Sherloc (09022015). Collection method: clinical testing. Allele origin: germline.

Ambry Genetics
Classification: Uncertain significance for Inborn genetic diseases. Last evaluated: 2025-02-11. Review status: criteria provided, single submitter. Criteria: Ambry Variant Classification Scheme 2023. Collection method: clinical testing. Allele origin: germline.

ARUP Laboratories, Molecular Genetics and Genomics, ARUP Laboratories
Classification: Likely benign. Last evaluated: 2024-10-30. Review status: criteria provided, single submitter. Criteria: ARUP Molecular Germline Variant Investigation Process 2024. Collection method: clinical testing. Allele origin: germline.

Mayo Clinic Laboratories, Mayo Clinic
Classification: Likely benign. Last evaluated: 2024-10-15. Review status: criteria provided, single submitter. Criteria: ACMG Guidelines, 2015. Collection method: clinical testing. Allele origin: germline. Observed: 5 variant alleles.
Comment: BP4_strong

Blueprint Genetics
Classification: Likely benign. Last evaluated: 2024-07-15. Review status: criteria provided, single submitter. Criteria: ACMG Guidelines, 2015. Collection method: clinical testing. Allele origin: germline.